The following is an entry in ClinVar:

ClinVar aggregate classification (germline): Uncertain significance. Review status: criteria provided, multiple submitters, no conflicts (2 of 4 stars). 2 submissions from 2 submitters: Uncertain significance (2). Last evaluated 2023-03-02.

Conditions:
Hearing impairment. Also called: Impaired Hearing. Identifiers: MedGen C1384666, MONDO:0005365, HP:0000365.

Allele frequency attached by ClinVar (database versions not stated): gnomAD exomes below 0.00001; TOPMed below 0.00001.

Submissions (2):

GeneDx
Classification: Uncertain significance. Last evaluated: 2023-03-02. Review status: criteria provided, single submitter. Criteria: GeneDx Variant Classification Process June 2021. Collection method: clinical testing. Allele origin: germline. Affected: yes.
Comment: Not observed at significant frequency in large population cohorts (gnomAD); In silico analysis supports that this missense variant has a deleterious effect on protein structure/function; Has not been previously published as pathogenic or benign to our knowledge

Department of Otolaryngology – Head & Neck Surgery, Cochlear Implant Center
Classification: Uncertain significance for Hearing impairment. Last evaluated: 2021-04-12. Review status: criteria provided, single submitter. Criteria: ClinGen HL ACMG Specifications v1. Collection method: clinical testing. Allele origin: germline. Affected: yes.
Comment: PM2_Moderate, PP3_Supporting

NM_001256317.3(TMPRSS3):c.335G>T (p.Gly112Val)

Gene: TMPRSS3 (transmembrane serine protease 3; minus strand). Cytogenetic location: 21q22.3.
Variant type: single nucleotide variant.
Coding change: c.335G>T on transcript NM_001256317.3 (MANE Select); coding-DNA position 335, G replaced by T.
Protein change: p.Gly112Val; replaces glycine 112 with valine.
Molecular consequence: missense variant. On other transcripts: 5 prime UTR variant (1).
Genome position (GRCh38, 1-based): chr21:42,388,514, C>A on the plus strand (G>T on the coding strand, the complement: TMPRSS3 is on the minus strand). VCF-style: chr21-42388514-C-A. GRCh37 (hg19) VCF-style: chr21-43808623-C-A.
Other names: c.335G>T, p.Gly112Val (NM_024022.4, NM_032405.2); c.-47G>T (NM_032404.3); short protein forms G112V.
Identifiers: ClinVar variation 1064977 (VCV001064977.4), dbSNP rs1163178020, ClinGen allele CA410375517.